The following is an entry in ClinVar:

NM_001374828.1(ARID1B):c.7023C>T (p.His2341=)

Gene: ARID1B (AT-rich interaction domain 1B; plus strand). Cytogenetic location: 6q25.3.
Variant type: single nucleotide variant.
Coding change: c.7023C>T on transcript NM_001374828.1 (MANE Select); coding-DNA position 7023, C replaced by T.
Protein change: p.His2341=; no amino-acid change (histidine 2341 retained).
Molecular consequence: synonymous variant.
Genome position (GRCh38, 1-based): chr6:157,207,795, C>T. VCF-style: chr6-157207795-C-T. GRCh37 (hg19) VCF-style: chr6-157528929-C-T.
Other names: c.6654C>T, p.His2218= (NM_020732.3); c.4524C>T, p.His1508= (NM_001363725.2); c.6903C>T, p.His2301= (NM_001371656.1, NM_001374820.1); c.6864C>T, p.His2288= (NM_017519.3).
Identifiers: ClinVar variation 210309 (VCV000210309.45), dbSNP rs183572405, ClinGen allele CA209217.

ClinVar aggregate classification (germline): Benign/Likely benign. Review status: criteria provided, multiple submitters, no conflicts (2 of 4 stars). 7 submissions from 7 submitters: Benign (4); Likely benign (3). Last evaluated 2025-10-28.

Conditions:
Inborn genetic diseases. Identifiers: MedGen C0950123, MeSH D030342.
Coffin-Siris syndrome 1 (CSS1). Also called: ARID1B-Related Coffin-Siris Syndrome; Mental retardation, autosomal dominant 12. Identifiers: Orphanet 1465, MedGen C3281201, MONDO:0007617, OMIM 135900. Disease mechanism: gain of function.

Allele frequency attached by ClinVar (database versions not stated): 1000 Genomes Project 30x 0.00250; 1000 Genomes Project 0.00260; gnomAD exomes 0.00011 and 0.00063; gnomAD 0.00023 and 0.00034; TOPMed 0.00026; ExAC 0.00057.
gnomAD v4.1: 235 of 1,557,176 alleles (0.015%); highest among the groups gnomAD compares: East Asian, 0.35%; no homozygotes.

Submissions (7):

Labcorp Genetics (formerly Invitae), Labcorp
Classification: Benign. Last evaluated: 2025-10-28. Review status: criteria provided, single submitter. Criteria: Invitae Variant Classification Sherloc (09022015). Collection method: clinical testing. Allele origin: germline.

Blueprint Genetics
Classification: Likely benign. Last evaluated: 2024-11-18. Review status: criteria provided, single submitter. Criteria: ACMG Guidelines, 2015. Collection method: clinical testing. Allele origin: germline.

CeGaT Center for Human Genetics Tuebingen
Classification: Likely benign. Last evaluated: 2022-11-01. Review status: criteria provided, single submitter. Criteria: CeGaT Center For Human Genetics Tuebingen Variant Classification Criteria Version 2. Collection method: clinical testing. Allele origin: germline. Affected: yes. Observed: 1 variant allele.
Comment: ARID1B: BP4, BP7

Genome-Nilou Lab
Classification: Benign for Coffin-Siris syndrome 1. Last evaluated: 2021-07-15. Review status: criteria provided, single submitter. Criteria: ACMG Guidelines, 2015. Collection method: clinical testing. Allele origin: germline. Affected: no.

GeneDx
Classification: Benign. Last evaluated: 2019-07-09. Review status: criteria provided, single submitter. Criteria: GeneDx Variant Classification Process June 2021. Collection method: clinical testing. Allele origin: germline. Affected: yes.

Ambry Genetics
Classification: Likely benign for Inborn genetic diseases. Last evaluated: 2017-05-26. Review status: criteria provided, single submitter. Criteria: Ambry Variant Classification Scheme 2023. Collection method: clinical testing. Allele origin: germline.

Genetic Services Laboratory, University of Chicago
Classification: Benign. Last evaluated: 2015-10-12. Review status: criteria provided, single submitter. Criteria: ACMG Guidelines, 2015. Collection method: clinical testing. Allele origin: germline. Affected: no.